The following is an entry in ClinVar:

NM_000094.4(COL7A1):c.1264C>T (p.Arg422Cys)

Gene: COL7A1 (collagen type VII alpha 1 chain; minus strand). Cytogenetic location: 3p21.31.
Variant type: single nucleotide variant.
Coding change: c.1264C>T on transcript NM_000094.4 (MANE Select); coding-DNA position 1264, C replaced by T.
Protein change: p.Arg422Cys; replaces arginine 422 with cysteine.
Molecular consequence: missense variant.
Genome position (GRCh38, 1-based): chr3:48,591,991, G>A on the plus strand (C>T on the coding strand, the complement: COL7A1 is on the minus strand). VCF-style: chr3-48591991-G-A. GRCh37 (hg19) VCF-style: chr3-48629424-G-A.
Other names: short protein forms R422C.
Identifiers: ClinVar variation 4754706 (VCV004754706.1).

ClinVar aggregate classification (germline): Uncertain significance (1 of 4 stars; one submission).

Submission:

Labcorp Genetics (formerly Invitae), Labcorp
Classification: Uncertain significance. Last evaluated: 2025-12-03. Review status: criteria provided, single submitter. Criteria: Invitae Variant Classification Sherloc (09022015). Collection method: clinical testing. Allele origin: germline.
Comment: This sequence change replaces arginine, which is basic and polar, with cysteine, which is neutral and slightly polar, at codon 422 of the COL7A1 protein (p.Arg422Cys). This variant is present in population databases (rs748681958, gnomAD 0.002%). This variant has not been reported in the literature in individuals affected with COL7A1-related conditions. Invitae Evidence Modeling of protein sequence and biophysical properties (such as structural, functional, and spatial information, amino acid conservation, physicochemical variation, residue mobility, and thermodynamic stability) indicates that this missense variant is not expected to disrupt COL7A1 protein function with a negative predictive value of 95%. In summary, the available evidence is currently insufficient to determine the role of this variant in disease. Therefore, it has been classified as a Variant of Uncertain Significance.